The following is an entry in ClinVar:

NM_002843.4(PTPRJ):c.3124G>A (p.Ala1042Thr)

Gene: PTPRJ (protein tyrosine phosphatase receptor type J; plus strand). Cytogenetic location: 11p11.2.
Variant type: single nucleotide variant.
Coding change: c.3124G>A on transcript NM_002843.4 (MANE Select); coding-DNA position 3124, G replaced by A.
Protein change: p.Ala1042Thr; replaces alanine 1042 with threonine.
Molecular consequence: missense variant.
Genome position (GRCh38, 1-based): chr11:48,150,169, G>A. VCF-style: chr11-48150169-G-A. GRCh37 (hg19) VCF-style: chr11-48171721-G-A.
Other names: short protein forms A1042T.
Identifiers: ClinVar variation 3785258 (VCV003785258.2).

ClinVar aggregate classification (germline): Uncertain significance. Review status: criteria provided, multiple submitters, no conflicts (2 of 4 stars). 2 submissions from 2 submitters: Uncertain significance (2). Last evaluated 2025-12-14.

Conditions:
PTPRJ-related disorder. Also called: PTPRJ-related condition.

gnomAD v4.1: 31 of 1,613,610 alleles (0.0019%); highest among the groups gnomAD compares: Admixed American, 0.023%; no homozygotes.

Submissions (2):

PreventionGenetics, part of Exact Sciences
Classification: Uncertain significance for PTPRJ-related condition. Last evaluated: 2025-12-14. Review status: criteria provided, single submitter. Criteria: ACMG Guidelines, 2015. Collection method: clinical testing. Allele origin: germline.
Comment: The PTPRJ c.3124G>A variant is predicted to result in the amino acid substitution p.Ala1042Thr. To our knowledge, this variant has not been reported in the literature. This variant is reported in 0.029% of alleles in individuals of Latino descent in gnomAD. At this time, the clinical significance of this variant is uncertain due to the absence of conclusive functional and genetic evidence.

Ambry Genetics
Classification: Uncertain significance. Last evaluated: 2025-02-20. Review status: criteria provided, single submitter. Criteria: Ambry Variant Classification Scheme 2023. Collection method: clinical testing. Allele origin: germline.